The following is an entry in ClinVar:

ClinVar aggregate classification (germline): Uncertain significance (1 of 4 stars; one submission).

Submission:

Labcorp Genetics (formerly Invitae), Labcorp
Classification: Uncertain significance. Last evaluated: 2021-11-01. Review status: criteria provided, single submitter. Criteria: Invitae Variant Classification Sherloc (09022015). Collection method: clinical testing. Allele origin: germline.
Comment: In summary, the available evidence is currently insufficient to determine the role of this variant in disease. Therefore, it has been classified as a Variant of Uncertain Significance. Algorithms developed to predict the effect of missense changes on protein structure and function are either unavailable or do not agree on the potential impact of this missense change (SIFT: "Tolerated"; PolyPhen-2: "Probably Damaging"; Align-GVGD: "Class C0"). This variant has not been reported in the literature in individuals affected with FCHO1-related conditions. This variant is not present in population databases (gnomAD no frequency). This sequence change replaces leucine, which is neutral and non-polar, with proline, which is neutral and non-polar, at codon 291 of the FCHO1 protein (p.Leu291Pro).

NM_015122.3(FCHO1):c.872T>C (p.Leu291Pro)

Gene: FCHO1 (FCH and mu domain containing endocytic adaptor 1; plus strand). Cytogenetic location: 19p13.11.
Variant type: single nucleotide variant.
Coding change: c.872T>C on transcript NM_015122.3 (MANE Select); coding-DNA position 872, T replaced by C.
Protein change: p.Leu291Pro; replaces leucine 291 with proline.
Molecular consequence: missense variant. On other transcripts: non-coding transcript variant (36).
Genome position (GRCh38, 1-based): chr19:17,774,430, T>C. VCF-style: chr19-17774430-T-C. GRCh37 (hg19) VCF-style: chr19-17885239-T-C.
Other names: c.872T>C, p.Leu291Pro (NM_001161357.2, NM_001161358.2, NM_001384370.1 and 25 more transcripts); c.722T>C, p.Leu241Pro (NM_001161359.2, NM_001384406.1, NM_001384407.1 and 3 more transcripts); c.827T>C, p.Leu276Pro (NM_001384403.1); c.833T>C, p.Leu278Pro (NM_001384405.1, NM_001384388.1, NM_001384389.1); c.797T>C, p.Leu266Pro (NM_001384390.1); short protein forms L278P, L266P, L276P, L241P, L291P.
Identifiers: ClinVar variation 1470390 (VCV001470390.6), dbSNP rs2147081839, ClinGen allele CA404750666.